The following is an entry in ClinVar:

ClinVar aggregate classification (germline): Likely benign. Review status: criteria provided, multiple submitters, no conflicts (2 of 4 stars). 2 submissions from 2 submitters: Likely benign (2). Last evaluated 2024-11-07.

Conditions:
XYLT2-related disorder. Also called: XYLT2-related condition.

Allele frequency attached by ClinVar (database versions not stated): gnomAD 0.00013; TOPMed 0.00014; ESP Exome Variant Server 0.00023.
gnomAD v4.1: 57 of 1,612,638 alleles (0.0035%); highest among the groups gnomAD compares: African/African-American, 0.029%; no homozygotes.

Submissions (2):

PreventionGenetics, part of Exact Sciences
Classification: Likely benign for XYLT2-related condition. Last evaluated: 2024-11-07. Review status: criteria provided, single submitter. Criteria: ACMG Guidelines, 2015. Collection method: clinical testing. Allele origin: germline.
Comment: This variant is classified as likely benign based on ACMG/AMP sequence variant interpretation guidelines (Richards et al. 2015 PMID: 25741868, with internal and published modifications).

Labcorp Genetics (formerly Invitae), Labcorp
Classification: Likely benign. Last evaluated: 2024-11-04. Review status: criteria provided, single submitter. Criteria: Invitae Variant Classification Sherloc (09022015). Collection method: clinical testing. Allele origin: germline.

NM_022167.4(XYLT2):c.762C>T (p.Ala254=)

Gene: XYLT2 (xylosyltransferase 2; plus strand). Cytogenetic location: 17q21.33.
Variant type: single nucleotide variant.
Coding change: c.762C>T on transcript NM_022167.4 (MANE Select); coding-DNA position 762, C replaced by T.
Protein change: p.Ala254=; no amino-acid change (alanine 254 retained).
Molecular consequence: synonymous variant.
Genome position (GRCh38, 1-based): chr17:50,354,541, C>T. VCF-style: chr17-50354541-C-T. GRCh37 (hg19) VCF-style: chr17-48431902-C-T.
Other names: c.762C>T (NM_022167.3).
Identifiers: ClinVar variation 2889292 (VCV002889292.4), dbSNP rs150977138, ClinGen allele CA8646252.